The following is an entry in ClinVar:

ClinVar aggregate classification (germline): Uncertain significance (1 of 4 stars; one submission).

Conditions:
Hereditary pancreatitis (PCTT). Also called: Hereditary chronic pancreatitis; PRSS1-Related Hereditary Pancreatitis. Identifiers: Orphanet 676, MedGen C0238339, MONDO:0008185, OMIM 167800.

Allele frequency attached by ClinVar (database versions not stated): gnomAD exomes below 0.00001.
gnomAD v4.1: 1 of 1,613,040 alleles (0.000062%); highest among the groups gnomAD compares: South Asian, 0.0011%; no homozygotes.

Submission:

Ambry Genetics
Classification: Uncertain significance for Hereditary pancreatitis. Last evaluated: 2025-10-27. Review status: criteria provided, single submitter. Criteria: Ambry Variant Classification Scheme 2023. Collection method: clinical testing. Allele origin: germline.
Comment: The p.G38E variant (also known as c.113G>A), located in coding exon 3 of the SPINK1 gene, results from a G to A substitution at nucleotide position 113. The glycine at codon 38 is replaced by glutamic acid, an amino acid with similar properties. This amino acid position is conserved. In addition, this alteration is predicted to be deleterious by in silico analysis. Since supporting evidence is limited at this time, the clinical significance of this alteration remains unclear.

NM_001379610.1(SPINK1):c.113G>A (p.Gly38Glu)

Gene: SPINK1 (serine peptidase inhibitor Kazal type 1; minus strand). Cytogenetic location: 5q32.
Variant type: single nucleotide variant.
Coding change: c.113G>A on transcript NM_001379610.1 (MANE Select); coding-DNA position 113, G replaced by A.
Protein change: p.Gly38Glu; replaces glycine 38 with glutamic acid.
Molecular consequence: missense variant.
Genome position (GRCh38, 1-based): chr5:147,828,103, C>T on the plus strand (G>A on the coding strand, the complement: SPINK1 is on the minus strand). VCF-style: chr5-147828103-C-T. GRCh37 (hg19) VCF-style: chr5-147207666-C-T.
Other names: c.113G>A, p.Gly38Glu (NM_001354966.2, NM_003122.5); short protein forms G38E.
Identifiers: ClinVar variation 3223129 (VCV003223129.2), dbSNP rs1580941617, ClinGen allele CA361885337.
Genomic context (GRCh38, chr5:147,828,103, plus strand): 5'-CATTCATTGGGATAAGTATTTCCATCAGTCCCACAGACAGGGTCATATATCTTGGTGCAT[C>T]CATTAAGTTCATTGTAACATTTGGCCTAAAAATGGAATTAAACAGAATCATTTCCCATTA-3'
Protein context (NP_001366539.1, residues 28-48): REAKCYNELN[Gly38Glu]CTKIYDPVCG